The following is an entry in ClinVar:

NM_000334.4(SCN4A):c.3774+7C>T

Genes: GH-LCR (growth hormone locus control region; plus strand), SCN4A (sodium voltage-gated channel alpha subunit 4; minus strand). Cytogenetic location: 17q23.3.
Variant type: single nucleotide variant.
Coding change: c.3774+7C>T on transcript NM_000334.4 (MANE Select); 7 bases into the intron after coding-DNA position 3774, C replaced by T.
Molecular consequence: intron variant.
Genome position (GRCh38, 1-based): chr17:63,945,000, G>A on the plus strand (C>T on the coding strand, the complement: SCN4A is on the minus strand). VCF-style: chr17-63945000-G-A. GRCh37 (hg19) VCF-style: chr17-62022360-G-A.
Other names: p.?.
Identifiers: ClinVar variation 385478 (VCV000385478.35), dbSNP rs199659791, ClinGen allele CA8709167.

ClinVar aggregate classification (germline): Benign/Likely benign. Review status: criteria provided, multiple submitters, no conflicts (2 of 4 stars). 8 submissions from 8 submitters: Benign (1); Likely benign (6). 1 of the submissions does not count toward it. Last evaluated 2026-01-12.

Conditions:
Hypokalemic periodic paralysis, type 1. Also called: Hypokalemic Periodic Paralysis Type 1 (AD); HypoPP. Identifiers: Orphanet 681, MedGen C3714580, MONDO:0042979, OMIM 170400.
Potassium-aggravated myotonia. Also called: SODIUM CHANNEL MUSCLE DISEASE; Myotonia congenita, atypical, acetazolamide-responsive; MYOTONIA CONGENITA, ACETAZOLAMIDE-RESPONSIVE; MYOTONIA CONGENITA, ATYPICAL. Identifiers: Orphanet 612, Orphanet 99734, Orphanet 99735, Orphanet 99736, MedGen C2931826, MONDO:0018959, OMIM 608390.
Paramyotonia congenita of Von Eulenburg. Also called: Eulenburg disease; Myotonia congenita intermittens; Von Eulenburg paramyotonia congenita; Paramyotonia Congenita; PARALYSIS PERIODICA PARAMYOTONICA. Identifiers: Orphanet 684, MedGen C0221055, MONDO:0008195, OMIM 168300. Disease mechanism: loss of function.
Hypokalemic periodic paralysis, type 2 (HOKPP2). Identifiers: Orphanet 681, MedGen C2750061, MONDO:0013234, OMIM 613345.
Congenital myasthenic syndrome 16. Identifiers: Orphanet 590, MedGen C3280112, MONDO:0013620, OMIM 614198.
Hyperkalemic periodic paralysis. Also called: Familial hyperkalemic periodic paralysis; Gamstorp disease. Identifiers: Orphanet 682, MedGen C0238357, MONDO:0008224, OMIM 170500, HP:0007215.
SCN4A-related disorder. Also called: SCN4A-related disorders.

Allele frequency attached by ClinVar (database versions not stated): 1000 Genomes Project 0.00140; ESP Exome Variant Server 0.00134; gnomAD 0.00143 and 0.00149; gnomAD exomes 0.00036 and 0.00017; ExAC 0.00038; 1000 Genomes Project 30x 0.00156; TOPMed 0.00161.
gnomAD v4.1: 489 of 1,613,486 alleles (0.03%); highest among the groups gnomAD compares: African/African-American, 0.51%; 1 homozygote.

Submissions (8):

Labcorp Genetics (formerly Invitae), Labcorp
Classification: Benign for Hyperkalemic periodic paralysis. Last evaluated: 2026-01-12. Review status: criteria provided, single submitter. Criteria: Invitae Variant Classification Sherloc (09022015). Collection method: clinical testing. Allele origin: germline.

Mayo Clinic Laboratories, Mayo Clinic
Classification: Likely benign. Last evaluated: 2025-02-25. Review status: criteria provided, single submitter. Criteria: ACMG Guidelines, 2015. Collection method: clinical testing. Allele origin: germline. Observed: 2 variant alleles.
Comment: BS1, BP4, BP7

Blueprint Genetics
Classification: Likely benign. Last evaluated: 2024-09-20. Review status: criteria provided, single submitter. Criteria: ACMG Guidelines, 2015. Collection method: clinical testing. Allele origin: germline.

CeGaT Center for Human Genetics Tuebingen
Classification: Likely benign. Last evaluated: 2024-06-01. Review status: criteria provided, single submitter. Criteria: CeGaT Center For Human Genetics Tuebingen Variant Classification Criteria Version 2. Collection method: clinical testing. Allele origin: germline. Affected: yes. Observed: 1 variant allele.
Comment: SCN4A: BP4

Fulgent Genetics
Classification: Likely benign for Paramyotonia congenita of Von Eulenburg; Hypokalemic periodic paralysis, type 1; Hyperkalemic periodic paralysis; Potassium-aggravated myotonia; Hypokalemic periodic paralysis, type 2; Congenital myasthenic syndrome 16. Last evaluated: 2021-09-21. Review status: criteria provided, single submitter. Criteria: ACMG Guidelines, 2015. Collection method: clinical testing. Allele origin: unknown.

GeneDx
Classification: Likely benign. Last evaluated: 2017-08-23. Review status: criteria provided, single submitter. Criteria: GeneDx Variant Classification (06012015). Collection method: clinical testing. Allele origin: germline. Affected: yes.
Comment: This variant is considered likely benign or benign based on one or more of the following criteria: it is a conservative change, it occurs at a poorly conserved position in the protein, it is predicted to be benign by multiple in silico algorithms, and/or has population frequency not consistent with disease.

Breakthrough Genomics
Classification: Likely benign. Review status: criteria provided, single submitter. Criteria: ACMG Guidelines, 2015. Collection method: not provided. Allele origin: germline. Inheritance: Autosomal recessive inheritance. Affected: yes.

PreventionGenetics, part of Exact Sciences
Classification: Likely benign for SCN4A-related condition. Last evaluated: 2019-03-21. Review status: no assertion criteria provided. Collection method: clinical testing. Allele origin: germline. Not counted in ClinVar's aggregate classification.
Comment: This variant is classified as likely benign based on ACMG/AMP sequence variant interpretation guidelines (Richards et al. 2015 PMID: 25741868, with internal and published modifications).